The following is an entry in ClinVar:

NM_001195518.2(MICU1):c.1180+1G>A

Gene: MICU1 (mitochondrial calcium uptake 1; minus strand). Cytogenetic location: 10q22.1.
Variant type: single nucleotide variant.
Coding change: c.1180+1G>A on transcript NM_001195518.2 (MANE Select); the canonical splice donor site of the intron after coding-DNA position 1180, G replaced by A.
Molecular consequence: splice donor variant.
Genome position (GRCh38, 1-based): chr10:72,407,928, C>T on the plus strand (G>A on the coding strand, the complement: MICU1 is on the minus strand). VCF-style: chr10-72407928-C-T. GRCh37 (hg19) VCF-style: chr10-74167686-C-T.
Other names: c.1186+1G>A (NM_006077.4); c.1198+1G>A (NM_001363513.2); c.586+1G>A (NM_001195519.2).
Identifiers: ClinVar variation 1522775 (VCV001522775.8), dbSNP rs2132103556, ClinGen allele CA377169019.

ClinVar aggregate classification (germline): Likely pathogenic (1 of 4 stars; one submission).

Allele frequency attached by ClinVar (database versions not stated): gnomAD exomes below 0.00001.
gnomAD v4.1: 2 of 1,606,632 alleles (0.00012%); highest among the groups gnomAD compares: African/African-American, 0.0013%; no homozygotes.

Submission:

Labcorp Genetics (formerly Invitae), Labcorp
Classification: Likely pathogenic. Last evaluated: 2023-04-09. Review status: criteria provided, single submitter. Criteria: Invitae Variant Classification Sherloc (09022015). Collection method: clinical testing. Allele origin: germline.
Comment: In summary, the currently available evidence indicates that the variant is pathogenic, but additional data are needed to prove that conclusively. Therefore, this variant has been classified as Likely Pathogenic. Algorithms developed to predict the effect of sequence changes on RNA splicing suggest that this variant may disrupt the consensus splice site. ClinVar contains an entry for this variant (Variation ID: 1522775). This variant has not been reported in the literature in individuals affected with MICU1-related conditions. This variant is not present in population databases (gnomAD no frequency). This sequence change affects a donor splice site in intron 11 of the MICU1 gene. It is expected to disrupt RNA splicing. Variants that disrupt the donor or acceptor splice site typically lead to a loss of protein function (PMID: 16199547), and loss-of-function variants in MICU1 are known to be pathogenic (PMID: 24336167).

Literature cited by the submitters: PubMed 16199547; PubMed 24336167.